The following is an entry in ClinVar:

NM_001367624.2(ZNF469):c.6039C>A (p.Asp2013Glu)

Gene: ZNF469 (zinc finger protein 469; plus strand). Cytogenetic location: 16q24.2.
Variant type: single nucleotide variant.
Coding change: c.6039C>A on transcript NM_001367624.2 (MANE Select); coding-DNA position 6039, C replaced by A.
Protein change: p.Asp2013Glu; replaces aspartic acid 2013 with glutamic acid.
Molecular consequence: missense variant.
Genome position (GRCh38, 1-based): chr16:88,433,509, C>A. VCF-style: chr16-88433509-C-A. GRCh37 (hg19) VCF-style: chr16-88499917-C-A.
Other names: NM_001127464.1:c.5955C>A; short protein forms D2013E.
Identifiers: ClinVar variation 2626121 (VCV002626121.4), dbSNP rs756857979, ClinGen allele CA397103677.

ClinVar aggregate classification (germline): Uncertain significance. Review status: criteria provided, multiple submitters, no conflicts (2 of 4 stars). 2 submissions from 2 submitters: Uncertain significance (2). Last evaluated 2024-03-16.

Conditions:
Cardiovascular phenotype. Identifiers: MedGen CN230736.

Allele frequency attached by ClinVar (database versions not stated): TOPMed below 0.00001; gnomAD 0.00001.
gnomAD v4.1: 2 of 1,550,194 alleles (0.00013%); highest among the groups gnomAD compares: Non-Finnish European, 0.00017%; no homozygotes.

Submissions (2):

Labcorp Genetics (formerly Invitae), Labcorp
Classification: Uncertain significance. Last evaluated: 2024-03-16. Review status: criteria provided, single submitter. Criteria: Invitae Variant Classification Sherloc (09022015). Collection method: clinical testing. Allele origin: germline.
Comment: This sequence change replaces aspartic acid, which is acidic and polar, with glutamic acid, which is acidic and polar, at codon 1985 of the ZNF469 protein (p.Asp1985Glu). This variant is present in population databases (no rsID available, gnomAD 0.002%). This variant has not been reported in the literature in individuals affected with ZNF469-related conditions. ClinVar contains an entry for this variant (Variation ID: 2626121). An algorithm developed to predict the effect of missense changes on protein structure and function (PolyPhen-2) suggests that this variant is likely to be tolerated. In summary, the available evidence is currently insufficient to determine the role of this variant in disease. Therefore, it has been classified as a Variant of Uncertain Significance.

Ambry Genetics
Classification: Uncertain significance for Cardiovascular phenotype. Last evaluated: 2023-07-15. Review status: criteria provided, single submitter. Criteria: Ambry Variant Classification Scheme 2023. Collection method: clinical testing. Allele origin: germline.
Comment: The p.D1985E variant (also known as c.5955C>A), located in coding exon 2 of the ZNF469 gene, results from a C to A substitution at nucleotide position 5955. The aspartic acid at codon 1985 is replaced by glutamic acid, an amino acid with highly similar properties. This amino acid position is conserved. In addition, this alteration is predicted to be tolerated by in silico analysis. Since supporting evidence is limited at this time, the clinical significance of this alteration remains unclear.